The following is an entry in ClinVar:

NM_000097.7(CPOX):c.520G>A (p.Ala174Thr)

Gene: CPOX (coproporphyrinogen oxidase; minus strand). Cytogenetic location: 3q11.2.
Variant type: single nucleotide variant.
Coding change: c.520G>A on transcript NM_000097.7 (MANE Select); coding-DNA position 520, G replaced by A.
Protein change: p.Ala174Thr; replaces alanine 174 with threonine.
Molecular consequence: missense variant.
Genome position (GRCh38, 1-based): chr3:98,592,985, C>T on the plus strand (G>A on the coding strand, the complement: CPOX is on the minus strand). VCF-style: chr3-98592985-C-T. GRCh37 (hg19) VCF-style: chr3-98311829-C-T.
Other names: p.Ala174Thr; short protein forms A174T.
Identifiers: ClinVar variation 872083 (VCV000872083.51), dbSNP rs199514514, ClinGen allele CA2511691.
Genomic context (GRCh38, chr3:98,592,985, plus strand): 5'-CCCGCCAGGGGCCGGCCTCCTTACCTTCCTTCCTCTCCCACCGGTCCACAGAAAAGTTGG[C>T]GCCCCCGTCTACCTGTGCCAGAGCCTGGCACACCTGGGCCTGGGTCTCCAGAATCAGCAG-3'
Protein context (NP_000088.3, residues 164-184): CQALAQVDGG[Ala174Thr]NFSVDRWERK

ClinVar aggregate classification (germline): Conflicting classifications of pathogenicity. Review status: criteria provided, conflicting classifications (1 of 4 stars). 4 submissions from 4 submitters: Uncertain significance (3); Benign (1). Last evaluated 2025-12-16.

Conditions:
Hereditary coproporphyria (HCP). Also called: Hereditary coproporphyria porphyria; Porphyria hepatica coproporphyria; Porphyria hepatica II; CPRO deficiency; COPROPORPHYRINOGEN OXIDASE DEFICIENCY; CPO DEFICIENCY. Identifiers: Orphanet 79273, MedGen C0162531, MONDO:0007369, OMIM 121300.

Allele frequency attached by ClinVar (database versions not stated): gnomAD exomes 0.00013; ESP Exome Variant Server 0.00015; gnomAD 0.00015 and 0.00016; TOPMed 0.00016; ExAC 0.00018.
gnomAD v4.1: 175 of 1,613,302 alleles (0.011%); highest among the groups gnomAD compares: Non-Finnish European, 0.014%; no homozygotes.

Submissions (4):

Mayo Clinic Laboratories, Mayo Clinic
Classification: Uncertain significance. Last evaluated: 2025-12-16. Review status: criteria provided, single submitter. Criteria: ACMG Guidelines, 2015. Collection method: clinical testing. Allele origin: germline. Observed: 2 variant alleles.

Labcorp Genetics (formerly Invitae), Labcorp
Classification: Uncertain significance. Last evaluated: 2025-11-06. Review status: criteria provided, single submitter. Criteria: Invitae Variant Classification Sherloc (09022015). Collection method: clinical testing. Allele origin: germline.
Comment: This sequence change replaces alanine, which is neutral and non-polar, with threonine, which is neutral and polar, at codon 174 of the CPOX protein (p.Ala174Thr). This variant is present in population databases (rs199514514, gnomAD 0.02%). This missense change has been observed in individual(s) with clinical features of acute hepatic porphyria (PMID: 30385147). ClinVar contains an entry for this variant (Variation ID: 872083). Invitae Evidence Modeling of protein sequence and biophysical properties (such as structural, functional, and spatial information, amino acid conservation, physicochemical variation, residue mobility, and thermodynamic stability) indicates that this missense variant is not expected to disrupt CPOX protein function with a negative predictive value of 80%. In summary, the available evidence is currently insufficient to determine the role of this variant in disease. Therefore, it has been classified as a Variant of Uncertain Significance.

CeGaT Center for Human Genetics Tuebingen
Classification: Uncertain significance. Last evaluated: 2019-07-01. Review status: criteria provided, single submitter. Criteria: CeGaT Center For Human Genetics Tuebingen Variant Classification Criteria Version 2. Collection method: clinical testing. Allele origin: germline. Affected: yes. Observed: 3 variant alleles.

Illumina Laboratory Services, Illumina
Classification: Benign for Hereditary coproporphyria. Last evaluated: 2018-01-12. Review status: criteria provided, single submitter. Criteria: ICSL Variant Classification Criteria 13 December 2019. Collection method: clinical testing. Allele origin: germline.
Comment: This variant was observed in the ICSL laboratory as part of a predisposition screen in an ostensibly healthy population. It had not been previously curated by ICSL or reported in the Human Gene Mutation Database (HGMD: prior to June 1st, 2018), and was therefore a candidate for classification through an automated scoring system. Utilizing variant allele frequency, disease prevalence and penetrance estimates, and inheritance mode, an automated score was calculated to assess if this variant is too frequent to cause the disease. Based on the score and internal cut-off values, a variant classified as benign is not then subjected to further curation. The score for this variant resulted in a classification of benign for this disease.

Literature cited by the submitters: PubMed 30385147 (cited by Mayo Clinic Laboratories, Mayo Clinic and Labcorp Genetics (formerly Invitae), Labcorp); PubMed 34426522 (cited by Mayo Clinic Laboratories, Mayo Clinic).